The following is an entry in ClinVar:

NM_002519.3(NPAT):c.3454C>T (p.Pro1152Ser)

Gene: NPAT (nuclear protein, coactivator of histone transcription; minus strand). Cytogenetic location: 11q22.3.
Variant type: single nucleotide variant.
Coding change: c.3454C>T on transcript NM_002519.3 (MANE Select); coding-DNA position 3454, C replaced by T.
Protein change: p.Pro1152Ser; replaces proline 1152 with serine.
Molecular consequence: missense variant.
Genome position (GRCh38, 1-based): chr11:108,161,632, G>A on the plus strand (C>T on the coding strand, the complement: NPAT is on the minus strand). VCF-style: chr11-108161632-G-A. GRCh37 (hg19) VCF-style: chr11-108032359-G-A.
Other names: c.3475C>T, p.Pro1159Ser (NM_001321307.1); short protein forms P1159S, P1152S.
Identifiers: ClinVar variation 2072828 (VCV002072828.4), dbSNP rs754809884, ClinGen allele CA6263578.

ClinVar aggregate classification (germline): Uncertain significance (1 of 4 stars; one submission).

Allele frequency attached by ClinVar (database versions not stated): gnomAD exomes 0.00001.
gnomAD v4.1: 11 of 1,614,026 alleles (0.00068%); highest among the groups gnomAD compares: Middle Eastern, 0.016%; no homozygotes.

Submission:

Labcorp Genetics (formerly Invitae), Labcorp
Classification: Uncertain significance. Last evaluated: 2023-12-12. Review status: criteria provided, single submitter. Criteria: Invitae Variant Classification Sherloc (09022015). Collection method: clinical testing. Allele origin: germline.
Comment: This sequence change replaces proline, which is neutral and non-polar, with serine, which is neutral and polar, at codon 1152 of the NPAT protein (p.Pro1152Ser). This variant is present in population databases (rs754809884, gnomAD 0.006%). This variant has not been reported in the literature in individuals affected with NPAT-related conditions. ClinVar contains an entry for this variant (Variation ID: 2072828). Algorithms developed to predict the effect of missense changes on protein structure and function output the following: SIFT: "Not Available"; PolyPhen-2: "Benign"; Align-GVGD: "Not Available". The serine amino acid residue is found in multiple mammalian species, which suggests that this missense change does not adversely affect protein function. In summary, the available evidence is currently insufficient to determine the role of this variant in disease. Therefore, it has been classified as a Variant of Uncertain Significance.